The following is an entry in ClinVar:

ClinVar aggregate classification (germline): Uncertain significance (1 of 4 stars; one submission).

Conditions:
COG1 congenital disorder of glycosylation (CDG2G). Also called: CONGENITAL DISORDER OF GLYCOSYLATION, TYPE IIg; CDG IIg; CDGII/COG1 CEREBROCOSTOMANDIBULAR-LIKE SYNDROME. Identifiers: Orphanet 263508, MedGen C2931011, MONDO:0012637, OMIM 611209.

Submission:

Labcorp Genetics (formerly Invitae), Labcorp
Classification: Uncertain significance for COG1 congenital disorder of glycosylation. Last evaluated: 2022-07-11. Review status: criteria provided, single submitter. Criteria: Invitae Variant Classification Sherloc (09022015). Collection method: clinical testing. Allele origin: germline.
Comment: This variant has not been reported in the literature in individuals affected with COG1-related conditions. In summary, the available evidence is currently insufficient to determine the role of this variant in disease. Therefore, it has been classified as a Variant of Uncertain Significance. Algorithms developed to predict the effect of missense changes on protein structure and function are either unavailable or do not agree on the potential impact of this missense change (SIFT: "Not Available"; PolyPhen-2: "Probably Damaging"; Align-GVGD: "Not Available"). ClinVar contains an entry for this variant (Variation ID: 648066). Information on the frequency of this variant in the gnomAD database is not available, as this variant may be reported differently in the database. This sequence change replaces glycine, which is neutral and non-polar, with alanine, which is neutral and non-polar, at codon 728 of the COG1 protein (p.Gly728Ala).

NM_018714.3(COG1):c.2183_2184delinsCA (p.Gly728Ala)

Gene: COG1 (component of oligomeric golgi complex 1; plus strand). Cytogenetic location: 17q25.1.
Variant type: Indel.
Coding change: c.2183_2184delinsCA on transcript NM_018714.3 (MANE Select); coding-DNA positions 2183 to 2184, GC replaced by CA.
Protein change: p.Gly728Ala; replaces glycine 728 with alanine.
Molecular consequence: missense variant.
Genome position (GRCh38, 1-based): chr17:73,203,109-73,203,110, GC replaced by CA. VCF-style: chr17-73203109-GC-CA. GRCh37 (hg19) VCF-style: chr17-71199248-GC-CA.
Other names: short protein forms G728A.
Identifiers: ClinVar variation 648066 (VCV000648066.8), dbSNP rs1599328658, ClinGen allele CA915952209.